The following is an entry in ClinVar:

NM_000540.3(RYR1):c.10708C>T (p.Arg3570Cys)

Gene: RYR1 (ryanodine receptor 1; plus strand). Cytogenetic location: 19q13.2.
Variant type: single nucleotide variant.
Coding change: c.10708C>T on transcript NM_000540.3 (MANE Select); coding-DNA position 10708, C replaced by T.
Protein change: p.Arg3570Cys; replaces arginine 3570 with cysteine.
Molecular consequence: missense variant.
Genome position (GRCh38, 1-based): chr19:38,527,668, C>T. VCF-style: chr19-38527668-C-T. GRCh37 (hg19) VCF-style: chr19-39018308-C-T.
Other names: c.10693C>T, p.Arg3565Cys (NM_001042723.2); short protein forms R3570C, R3565C.
Identifiers: ClinVar variation 3710218 (VCV003710218.2).

ClinVar aggregate classification (germline): Uncertain significance (1 of 4 stars; one submission).

Conditions:
RYR1-related disorder. Also called: RYR1-related condition; RYR1-related disorders. Identifiers: MedGen CN239331.

Submission:

Labcorp Genetics (formerly Invitae), Labcorp
Classification: Uncertain significance for RYR1-related disorder. Last evaluated: 2024-06-05. Review status: criteria provided, single submitter. Criteria: Invitae Variant Classification Sherloc (09022015). Collection method: clinical testing. Allele origin: germline.
Comment: This sequence change replaces arginine, which is basic and polar, with cysteine, which is neutral and slightly polar, at codon 3570 of the RYR1 protein (p.Arg3570Cys). This variant is not present in population databases (gnomAD no frequency). This variant has not been reported in the literature in individuals affected with RYR1-related conditions. Advanced modeling of protein sequence and biophysical properties (such as structural, functional, and spatial information, amino acid conservation, physicochemical variation, residue mobility, and thermodynamic stability) performed at Invitae indicates that this missense variant is expected to disrupt RYR1 protein function with a positive predictive value of 80%. In summary, the available evidence is currently insufficient to determine the role of this variant in disease. Therefore, it has been classified as a Variant of Uncertain Significance.